The following is an entry in ClinVar:

ClinVar aggregate classification (germline): Uncertain significance. Review status: criteria provided, multiple submitters, no conflicts (2 of 4 stars). 2 submissions from 2 submitters: Uncertain significance (2). Last evaluated 2025-10-20.

Conditions:
Baller-Gerold syndrome (BGS). Also called: CRANIOSYNOSTOSIS WITH RADIAL DEFECTS. Identifiers: Orphanet 1225, MedGen C0265308, MONDO:0009039, OMIM 218600.

Allele frequency attached by ClinVar (database versions not stated): TOPMed below 0.00001; gnomAD 0.00001; gnomAD exomes 0.00001; ExAC 0.00004.
gnomAD v4.1: 20 of 1,602,564 alleles (0.0012%); highest among the groups gnomAD compares: South Asian, 0.0056%; no homozygotes.

Submissions (2):

Labcorp Genetics (formerly Invitae), Labcorp
Classification: Uncertain significance for Baller-Gerold syndrome. Last evaluated: 2025-10-20. Review status: criteria provided, single submitter. Criteria: Invitae Variant Classification Sherloc (09022015). Collection method: clinical testing. Allele origin: germline.
Comment: This sequence change replaces arginine, which is basic and polar, with cysteine, which is neutral and slightly polar, at codon 631 of the RECQL4 protein (p.Arg631Cys). The frequency data for this variant in the population databases is considered unreliable, as metrics indicate poor data quality at this position in the gnomAD database. This variant has not been reported in the literature in individuals affected with RECQL4-related conditions. ClinVar contains an entry for this variant (Variation ID: 1036888). Invitae Evidence Modeling of protein sequence and biophysical properties (such as structural, functional, and spatial information, amino acid conservation, physicochemical variation, residue mobility, and thermodynamic stability) indicates that this missense variant is not expected to disrupt RECQL4 protein function with a negative predictive value of 80%. In summary, the available evidence is currently insufficient to determine the role of this variant in disease. Therefore, it has been classified as a Variant of Uncertain Significance.

Revvity Omics, Revvity
Classification: Uncertain significance. Last evaluated: 2025-06-25. Review status: criteria provided, single submitter. Criteria: ACMG Guidelines, 2015. Collection method: clinical testing. Allele origin: germline.

NM_004260.4(RECQL4):c.1891C>T (p.Arg631Cys)

Gene: RECQL4 (RecQ like helicase 4; minus strand). Cytogenetic location: 8q24.3.
Variant type: single nucleotide variant.
Coding change: c.1891C>T on transcript NM_004260.4 (MANE Select); coding-DNA position 1891, C replaced by T.
Protein change: p.Arg631Cys; replaces arginine 631 with cysteine.
Molecular consequence: missense variant.
Genome position (GRCh38, 1-based): chr8:144,514,095, G>A on the plus strand (C>T on the coding strand, the complement: RECQL4 is on the minus strand). VCF-style: chr8-144514095-G-A. GRCh37 (hg19) VCF-style: chr8-145739479-G-A.
Other names: c.1891C>T (NM_004260.3); short protein forms R631C.
Identifiers: ClinVar variation 1036888 (VCV001036888.6), dbSNP rs748941688, ClinGen allele CA4948586.
Genomic context (GRCh38, chr8:144,514,095, plus strand): 5'-CACTGGCAGTGCGGCGTGTGGCTGTGGCTGTGAGGCCCAGGAAGCAGTGCACGCCCATGC[G>A]CTCCCGAAGCACCTGCACCAGAGGCGGCAGTGGTGTGAGGCCGCCCAGCCCATCCCGGCC-3'
Protein context (NP_004251.4, residues 621-641): YLRVCKVLRE[Arg631Cys]MGVHCFLGLT